The following is an entry in ClinVar:

NM_000551.4(VHL):c.262T>C (p.Trp88Arg)

Gene: VHL (von Hippel-Lindau tumor suppressor; plus strand). Cytogenetic location: 3p25.3.
Variant type: single nucleotide variant.
Coding change: c.262T>C on transcript NM_000551.4 (MANE Select); coding-DNA position 262, T replaced by C.
Protein change: p.Trp88Arg; replaces tryptophan 88 with arginine.
Molecular consequence: missense variant.
Genome position (GRCh38, 1-based): chr3:10,142,109, T>C. VCF-style: chr3-10142109-T-C. GRCh37 (hg19) VCF-style: chr3-10183793-T-C.
Other names: c.262T>C, p.Trp88Arg (NM_001354723.2, NM_198156.3); short protein forms W88R.
Identifiers: ClinVar variation 496053 (VCV000496053.12), dbSNP rs1553619431, ClinGen allele CA351750667.

ClinVar aggregate classification (germline): Pathogenic. Review status: criteria provided, multiple submitters, no conflicts (2 of 4 stars). 4 submissions from 4 submitters: Pathogenic (4). Last evaluated 2025-07-05.

Conditions:
Chuvash polycythemia. Also called: POLYCYTHEMIA, VHL-DEPENDENT. Identifiers: Orphanet 238557, MedGen C1837915, MONDO:0009892, OMIM 263400.
Von Hippel-Lindau syndrome (VHLS). Also called: Von Hippel-Lindau; von Hippel–Lindau syndrome; VHL syndrome. Identifiers: Orphanet 892, MedGen C0019562, MONDO:0008667, OMIM 193300. Disease mechanism: loss of function.

Submissions (4):

Dasa
Classification: Pathogenic for Von Hippel-Lindau syndrome. Last evaluated: 2025-07-05. Review status: criteria provided, single submitter. Criteria: DASA Assertion Criteria. Collection method: clinical testing. Allele origin: germline. Observed: 1 variant allele.
Comment: NM_000551.4(VHL):c.262T>C (p.Trp88Arg) introduces a tryptophan to arginine substitution at a critical functional residue. This amino acid change matches a known pathogenic variant, and computational evidence supports a deleterious effect. This variant has been reported in individuals with von Hippel-Lindau disease. Based on the available data, this variant is classified as Pathogenic.

Labcorp Genetics (formerly Invitae), Labcorp
Classification: Pathogenic for Von Hippel-Lindau syndrome; Chuvash polycythemia. Last evaluated: 2024-05-22. Review status: criteria provided, single submitter. Criteria: Invitae Variant Classification Sherloc (09022015). Collection method: clinical testing. Allele origin: germline.
Comment: This sequence change replaces tryptophan, which is neutral and slightly polar, with arginine, which is basic and polar, at codon 88 of the VHL protein (p.Trp88Arg). This variant is not present in population databases (gnomAD no frequency). This missense change has been observed in individuals with Von Hippel-Lindau syndrome (PMID: 7728151, 10567493, 11309459, 12624160, 17024664, 17688370, 19996202, 21715564, 27530247). ClinVar contains an entry for this variant (Variation ID: 496053). Advanced modeling of protein sequence and biophysical properties (such as structural, functional, and spatial information, amino acid conservation, physicochemical variation, residue mobility, and thermodynamic stability) performed at Invitae indicates that this missense variant is expected to disrupt VHL protein function with a positive predictive value of 95%. This variant disrupts the p.Trp88 amino acid residue in VHL. Other variant(s) that disrupt this residue have been determined to be pathogenic (PMID: 7728151, 10567493, 11309459, 17024664, 19996202, 21715564, 27530247). This suggests that this residue is clinically significant, and that variants that disrupt this residue are likely to be disease-causing. For these reasons, this variant has been classified as Pathogenic.

Myriad Genetics, Inc.
Classification: Pathogenic for Von Hippel-Lindau syndrome. Last evaluated: 2023-01-31. Review status: criteria provided, single submitter. Criteria: Myriad Autosomal Dominant, Autosomal Recessive and X-Linked Classification Criteria (2023). Collection method: clinical testing. Allele origin: unknown.
Comment: This variant is considered pathogenic. This variant has been reported in multiple individuals with clinical features of gene-specific disease [PMID: 31620170, 35448166, 12624160, 33720516, 17024664, 17688370]. Functional studies indicate this variant impacts protein function [PMID: 35448166]. This variant is expected to disrupt protein structure [internal Myriad data].

Women's Health and Genetics/Laboratory Corporation of America, LabCorp
Classification: Pathogenic for Von Hippel-Lindau syndrome. Last evaluated: 2016-02-03. Review status: criteria provided, single submitter. Criteria: LabCorp Variant Classification Summary - May 2015. Collection method: clinical testing. Allele origin: germline.
Comment: Variant summary: This c.262T>C variant affects a conserved nucleotide, resulting in amino acid change from Trp to Arg. 5/5 in-silico tools predict this variant to be damaging. This variant was not found in approximately 102034 control chromosomes, including the large and broad populations from ExAC. This variant has been reported in at least seven unrelated VHL patients and VHL-related tumors. c.262T>A, another variant leading to the same amino acid change, is a pathogenic variant. This evidence strongly supports that variant of interest is also pathogenic. In addition, codon 88 is a mutational hot spot in which other potentially pathogenic variants such as .W88C, p.W88S, p.W88* (c.263G>A) and p.W88* (c.264G>A) have been reported in VHL disease or its related cancers. In a tumor cell containing this variant, vascular endothelial growth factor (VEGF) expression was significantly increased which suggests that this variant leads to functional impairment (although it is uncertain whether observed effect was solely due to this variant as they assay was from patient cells) (Na_2003). Taken together, this variant has been classified as a Pathogenic.

Literature cited by the submitters: PubMed 7728151 (cited by Labcorp Genetics (formerly Invitae), Labcorp); PubMed 10567493 (cited by Labcorp Genetics (formerly Invitae), Labcorp); PubMed 11309459 (cited by Labcorp Genetics (formerly Invitae), Labcorp); PubMed 12624160 (cited by 3 submitters); PubMed 17024664 (cited by Labcorp Genetics (formerly Invitae), Labcorp and Myriad Genetics, Inc.); PubMed 17688370 (cited by 3 submitters); PubMed 19996202 (cited by Labcorp Genetics (formerly Invitae), Labcorp); PubMed 21715564 (cited by Labcorp Genetics (formerly Invitae), Labcorp); PubMed 27530247 (cited by Labcorp Genetics (formerly Invitae), Labcorp); PubMed 31620170 (cited by Myriad Genetics, Inc.); PubMed 35448166 (cited by Myriad Genetics, Inc.); PubMed 33720516 (cited by Myriad Genetics, Inc.); PubMed 10766184 (cited by Women's Health and Genetics/Laboratory Corporation of America, LabCorp); PubMed 22683710 (cited by Women's Health and Genetics/Laboratory Corporation of America, LabCorp); PubMed 12853836 (cited by Women's Health and Genetics/Laboratory Corporation of America, LabCorp); PubMed 23036577 (cited by Women's Health and Genetics/Laboratory Corporation of America, LabCorp); PubMed 19949673 (cited by Women's Health and Genetics/Laboratory Corporation of America, LabCorp); PubMed 19408298 (cited by Women's Health and Genetics/Laboratory Corporation of America, LabCorp).